The following is an entry in ClinVar:

NC_000023.10:g.(?_31219364)_(33229429_?)del

Gene: DMD (dystrophin; minus strand). Cytogenetic location: Xp21.2-21.1.
Variant type: Deletion.
Identifiers: ClinVar variation 2424877 (VCV002424877.5).

ClinVar aggregate classification (germline): Pathogenic (1 of 4 stars; one submission).

Conditions:
Duchenne muscular dystrophy (DMD). Also called: Duchenne Muscular Dystrophy (DMD); MUSCULAR DYSTROPHY, PSEUDOHYPERTROPHIC PROGRESSIVE, DUCHENNE TYPE. Identifiers: Orphanet 98896, MedGen C0013264, MONDO:0010679, OMIM 310200.

Submission:

Labcorp Genetics (formerly Invitae), Labcorp
Classification: Pathogenic for Duchenne muscular dystrophy. Last evaluated: 2022-03-04. Review status: criteria provided, single submitter. Criteria: Invitae Variant Classification Sherloc (09022015). Collection method: clinical testing. Allele origin: germline.
Comment: For these reasons, this variant has been classified as Pathogenic. This variant has not been reported in the literature in individuals affected with DMD-related conditions. This variant is a gross deletion of the genomic region encompassing exon(s) 1-67 of the DMD gene, which includes the initiator codon. This deletion extends beyond the assayed region for this gene and therefore may encompass additional genes. It is expected to result in an absent or disrupted protein product. Loss-of-function variants in DMD are known to be pathogenic (PMID: 16770791, 25007885).

Literature cited by the submitters: PubMed 16770791; PubMed 25007885.